The following is an entry in ClinVar:

ClinVar aggregate classification (germline): Uncertain significance (1 of 4 stars; one submission).

Conditions:
Osteogenesis imperfecta type 8 (OI8). Identifiers: MedGen C1970458, MONDO:0012581, OMIM 610915.

Submission:

Labcorp Genetics (formerly Invitae), Labcorp
Classification: Uncertain significance for Osteogenesis imperfecta type 8. Last evaluated: 2022-07-02. Review status: criteria provided, single submitter. Criteria: Invitae Variant Classification Sherloc (09022015). Collection method: clinical testing. Allele origin: germline.
Comment: Algorithms developed to predict the effect of missense changes on protein structure and function are either unavailable or do not agree on the potential impact of this missense change (SIFT: "Deleterious"; PolyPhen-2: "Benign"; Align-GVGD: "Class C0"). This variant has not been reported in the literature in individuals affected with P3H1-related conditions. This variant is not present in population databases (gnomAD no frequency). This sequence change replaces valine, which is neutral and non-polar, with methionine, which is neutral and non-polar, at codon 473 of the P3H1 protein (p.Val473Met). In summary, the available evidence is currently insufficient to determine the role of this variant in disease. Therefore, it has been classified as a Variant of Uncertain Significance.

NM_022356.4(P3H1):c.1417G>A (p.Val473Met)

Gene: P3H1 (prolyl 3-hydroxylase 1; minus strand). Cytogenetic location: 1p34.2.
Variant type: single nucleotide variant.
Coding change: c.1417G>A on transcript NM_022356.4 (MANE Select); coding-DNA position 1417, G replaced by A.
Protein change: p.Val473Met; replaces valine 473 with methionine.
Molecular consequence: missense variant.
Genome position (GRCh38, 1-based): chr1:42,752,593, C>T on the plus strand (G>A on the coding strand, the complement: P3H1 is on the minus strand). VCF-style: chr1-42752593-C-T. GRCh37 (hg19) VCF-style: chr1-43218264-C-T.
Other names: c.1417G>A, p.Val473Met (NM_001146289.2, NM_001243246.2); short protein forms V473M.
Identifiers: ClinVar variation 2416290 (VCV002416290.6), dbSNP rs1652173192, ClinGen allele CA339956214.
Genomic context (GRCh38, chr1:42,752,593, plus strand): 5'-TTACATTGGTCAGTCTCTGCAGCTCCTGACACTCGTGGTCAGAGATTACGCCGTCCATCA[C>T]CACCCGCTGGGAACCATTCAGGAGTTTGGAGTTCATGGTGAGACTGATGCCTTCATACAG-3'
Protein context (NP_071751.3, residues 463-483): SKLLNGSQRV[Val473Met]MDGVISDHEC